The following is an entry in ClinVar:

NM_000142.5(FGFR3):c.1596C>G (p.Ile532Met)

Gene: FGFR3 (fibroblast growth factor receptor 3; plus strand). Cytogenetic location: 4p16.3.
Variant type: single nucleotide variant.
Coding change: c.1596C>G on transcript NM_000142.5 (MANE Select); coding-DNA position 1596, C replaced by G.
Protein change: p.Ile532Met; replaces isoleucine 532 with methionine.
Molecular consequence: missense variant. On other transcripts: non-coding transcript variant (1).
Genome position (GRCh38, 1-based): chr4:1,805,620, C>G. VCF-style: chr4-1805620-C-G. GRCh37 (hg19) VCF-style: chr4-1807347-C-G.
Other names: c.1602C>G, p.Ile534Met (NM_001163213.2); c.1599C>G, p.Ile533Met (NM_001354809.2, NM_001354810.2); c.1260C>G, p.Ile420Met (NM_022965.4); short protein forms I420M, I532M, I533M, I534M.
Identifiers: ClinVar variation 4992181 (VCV004992181.1).

ClinVar aggregate classification (germline): Uncertain significance (1 of 4 stars; one submission).

Conditions:
FGFR3-related disorder. Also called: FGFR3-related disorders.

gnomAD v4.1: 3 of 1,613,226 alleles (0.00019%); highest among the groups gnomAD compares: Non-Finnish European, 0.00025%; no homozygotes.

Submission:

PreventionGenetics, part of Exact Sciences
Classification: Uncertain significance for FGFR3-related condition. Last evaluated: 2025-11-03. Review status: criteria provided, single submitter. Criteria: ACMG Guidelines, 2015. Collection method: clinical testing. Allele origin: germline.
Comment: The FGFR3 c.1596C>G variant is predicted to result in the amino acid substitution p.Ile532Met. To our knowledge, this variant has not been reported in the literature or in a large population database (gnomAD), indicating this variant is rare. At this time, the clinical significance of this variant is uncertain due to the absence of conclusive functional and genetic evidence.